The following is an entry in ClinVar:

NM_001130438.3(SPTAN1):c.3235C>G (p.Leu1079Val)

Gene: SPTAN1 (spectrin alpha, non-erythrocytic 1; plus strand). Cytogenetic location: 9q34.11.
Variant type: single nucleotide variant.
Coding change: c.3235C>G on transcript NM_001130438.3 (MANE Select); coding-DNA position 3235, C replaced by G.
Protein change: p.Leu1079Val; replaces leucine 1079 with valine.
Molecular consequence: missense variant.
Genome position (GRCh38, 1-based): chr9:128,594,194, C>G. VCF-style: chr9-128594194-C-G. GRCh37 (hg19) VCF-style: chr9-131356473-C-G.
Other names: p.Leu1079Val; c.3175C>G, p.Leu1059Val (NM_001195532.2, NM_001363765.2); c.3235C>G, p.Leu1079Val (NM_001363759.2, NM_003127.4); short protein forms L1079V, L1059V.
Identifiers: ClinVar variation 383861 (VCV000383861.43), dbSNP rs559839676, ClinGen allele CA5264895.

ClinVar aggregate classification (germline): Benign/Likely benign. Review status: criteria provided, multiple submitters, no conflicts (2 of 4 stars). 8 submissions from 8 submitters: Benign (3); Likely benign (5). Last evaluated 2026-02-01.

Conditions:
Early-infantile DEE. Also called: Early infantile epileptic encephalopathy; Ohtahara syndrome; Early infantile epileptic encephalopathy with suppression bursts. Identifiers: Orphanet 1934, MedGen C0393706, MONDO:0800491.
SPTAN1-related disorder. Also called: SPTAN1-related condition; SPTAN1-related disorders.
Inborn genetic diseases. Identifiers: MedGen C0950123, MeSH D030342.
Developmental and epileptic encephalopathy, 5 (DEE5). Identifiers: Orphanet 3451, MedGen C3150731, MONDO:0013277, OMIM 613477.

Allele frequency attached by ClinVar (database versions not stated): TOPMed 0.00013; gnomAD 0.00017 and 0.00019; gnomAD exomes 0.00026; ExAC 0.00027.
gnomAD v4.1: 109 of 1,614,008 alleles (0.0068%); highest among the groups gnomAD compares: Admixed American, 0.15%; no homozygotes.

Submissions (8):

Labcorp Genetics (formerly Invitae), Labcorp
Classification: Likely benign for Early-infantile DEE. Last evaluated: 2026-02-01. Review status: criteria provided, single submitter. Criteria: Invitae Variant Classification Sherloc (09022015). Collection method: clinical testing. Allele origin: germline.

PreventionGenetics, part of Exact Sciences
Classification: Likely benign for SPTAN1-related condition. Last evaluated: 2025-12-11. Review status: criteria provided, single submitter. Criteria: ACMG Guidelines, 2015. Collection method: clinical testing. Allele origin: germline.
Comment: This variant is classified as likely benign based on ACMG/AMP sequence variant interpretation guidelines (Richards et al. 2015 PMID: 25741868, with internal and published modifications).

Mayo Clinic Laboratories, Mayo Clinic
Classification: Likely benign. Last evaluated: 2025-05-27. Review status: criteria provided, single submitter. Criteria: ACMG Guidelines, 2015. Collection method: clinical testing. Allele origin: germline. Observed: 1 variant allele.
Comment: BS2, BP4_moderate

Athena Diagnostics
Classification: Benign. Last evaluated: 2024-12-06. Review status: criteria provided, single submitter. Criteria: Athena Diagnostics Criteria. Collection method: clinical testing. Allele origin: unknown.
Comment: The frequency of this variant in the general population is higher than would generally be expected for pathogenic variants in this gene. Computational tools predict this amino acid change may be benign.

CeGaT Center for Human Genetics Tuebingen
Classification: Likely benign. Last evaluated: 2023-01-01. Review status: criteria provided, single submitter. Criteria: CeGaT Center For Human Genetics Tuebingen Variant Classification Criteria Version 2. Collection method: clinical testing. Allele origin: germline. Affected: yes. Observed: 1 variant allele.
Comment: SPTAN1: PP2, BS1

Ambry Genetics
Classification: Likely benign for Inborn genetic diseases. Last evaluated: 2022-03-14. Review status: criteria provided, single submitter. Criteria: Ambry Variant Classification Scheme 2023. Collection method: clinical testing. Allele origin: germline.

Genome-Nilou Lab
Classification: Benign for Developmental and epileptic encephalopathy, 5. Last evaluated: 2021-07-15. Review status: criteria provided, single submitter. Criteria: ACMG Guidelines, 2015. Collection method: clinical testing. Allele origin: germline. Affected: no.

GeneDx
Classification: Benign. Last evaluated: 2021-02-17. Review status: criteria provided, single submitter. Criteria: GeneDx Variant Classification Process June 2021. Collection method: clinical testing. Allele origin: germline. Affected: yes.
Comment: This variant is associated with the following publications: (PMID: 29619247)

Literature cited by the submitters: PubMed 29619247 (cited by Mayo Clinic Laboratories, Mayo Clinic); PubMed 38116874 (cited by Mayo Clinic Laboratories, Mayo Clinic and Athena Diagnostics).